The following is an entry in ClinVar:

ClinVar aggregate classification (germline): Conflicting classifications of pathogenicity. Review status: criteria provided, conflicting classifications (1 of 4 stars). 7 submissions from 7 submitters: Uncertain significance (6); Likely benign (1). Last evaluated 2026-09-25.

Conditions:
Cardiovascular phenotype. Identifiers: MedGen CN230736.
Cardiomyopathy (CMYO). Also called: Cardiomyopathies. Identifiers: Orphanet 167848, MedGen C0878544, MONDO:0004994, HP:0001638. Inheritance: Various modes of inheritance.
Lethal congenital glycogen storage disease of heart. Also called: GLYCOGEN STORAGE DISEASE OF HEART; PHOSPHORYLASE KINASE DEFICIENCY OF HEART. Identifiers: Orphanet 439854, MedGen C1849813, MONDO:0009867, OMIM 261740.
Hypertrophic cardiomyopathy. Also called: HYPERTROPHIC MYOCARDIOPATHY. Identifiers: Orphanet 217569, MedGen C0007194, MeSH D002312, MONDO:0005045, HP:0001639.

Allele frequency attached by ClinVar (database versions not stated): ExAC 0.00002; gnomAD 0.00006; gnomAD exomes 0.00003; TOPMed 0.00008.
gnomAD v4.1: 26 of 1,614,048 alleles (0.0016%); highest among the groups gnomAD compares: African/African-American, 0.027%; no homozygotes.

Submissions (7):

GeneDx
Classification: Uncertain significance. Last evaluated: 2026-09-25. Review status: criteria provided, single submitter. Criteria: GeneDx Variant Classification Process June 2021. Collection method: clinical testing. Allele origin: germline.
Comment: Has not been previously published as pathogenic or benign to our knowledge; In silico analysis suggests that this missense variant does not alter protein structure/function; This variant is associated with the following publications: (PMID: Burykina2020[abstract])

Labcorp Genetics (formerly Invitae), Labcorp
Classification: Likely benign for Lethal congenital glycogen storage disease of heart. Last evaluated: 2026-01-06. Review status: criteria provided, single submitter. Criteria: Invitae Variant Classification Sherloc (09022015). Collection method: clinical testing. Allele origin: germline.

All of Us Research Program, National Institutes of Health
Classification: Uncertain significance for Hypertrophic cardiomyopathy. Last evaluated: 2024-07-20. Review status: criteria provided, single submitter. Criteria: ACMG Guidelines, 2015. Collection method: clinical testing. Allele origin: germline. Inheritance: Autosomal dominant inheritance. Observed: 10 variant alleles, 10 heterozygotes.
Comment: This missense variant replaces glutamine with glutamic acid at codon 172 of the PRKAG2 protein. Computational prediction suggests that this variant may not impact protein structure and function (internally defined REVEL score threshold <= 0.5, PMID: 27666373). To our knowledge, functional studies have not been reported for this variant. This variant has not been reported in individuals affected with PRKAG2-related disorders in the literature. This variant has been identified in 7/251478 chromosomes in the general population by the Genome Aggregation Database (gnomAD). The available evidence is insufficient to determine the role of this variant in disease conclusively. Therefore, this variant is classified as a Variant of Uncertain Significance.

This study involves interpretation of variants in research participants for the purpose of population health screening. Participant phenotype was not available at the time of variant classification. Additional details can be found in publication PMID: 35346344, PMCID: PMC8962531

Ambry Genetics
Classification: Uncertain significance for Cardiovascular phenotype. Last evaluated: 2024-07-01. Review status: criteria provided, single submitter. Criteria: Ambry Variant Classification Scheme 2023. Collection method: clinical testing. Allele origin: germline.
Comment: The p.Q172E variant (also known as c.514C>G), located in coding exon 4 of the PRKAG2 gene, results from a C to G substitution at nucleotide position 514. The glutamine at codon 172 is replaced by glutamic acid, an amino acid with highly similar properties. This amino acid position is conserved. In addition, the in silico prediction for this alteration is inconclusive. Since supporting evidence is limited at this time, the clinical significance of this alteration remains unclear.

Color Diagnostics, LLC DBA Color Health
Classification: Uncertain significance for Cardiomyopathy. Last evaluated: 2024-05-21. Review status: criteria provided, single submitter. Criteria: ACMG Guidelines, 2015. Collection method: clinical testing. Allele origin: germline.
Comment: This missense variant replaces glutamine with glutamic acid at codon 172 of the PRKAG2 protein. Computational prediction suggests that this variant may not impact protein structure and function. To our knowledge, functional studies have not been reported for this variant. This variant has not been reported in individuals affected with PRKAG2-related disorders in the literature. This variant has been identified in 7/251478 chromosomes in the general population by the Genome Aggregation Database (gnomAD). The available evidence is insufficient to determine the role of this variant in disease conclusively. Therefore, this variant is classified as a Variant of Uncertain Significance.

ARUP Laboratories, Molecular Genetics and Genomics, ARUP Laboratories
Classification: Uncertain significance. Last evaluated: 2022-03-09. Review status: criteria provided, single submitter. Criteria: ARUP Molecular Germline Variant Investigation Process 2021. Collection method: clinical testing. Allele origin: germline.
Comment: The PRKAG2 c.514C>G; p.Gln172Glu variant (rs730880972), to our knowledge, is not reported in the medical literature, but is reported in ClinVar (Variation ID: 181467). This variant is found in the general population with an overall allele frequency of 0.003% (7/251478 alleles) in the Genome Aggregation Database. The glutamine at codon 172 is moderately conserved, and computational analyses are uncertain whether this variant is neutral or deleterious (REVEL: 0.345). Due to limited information, the clinical significance of the p.Gln172Glu variant is uncertain at this time.

Revvity Omics, Revvity
Classification: Uncertain significance. Last evaluated: 2020-03-19. Review status: criteria provided, single submitter. Criteria: ACMG Guidelines, 2015. Collection method: clinical testing. Allele origin: germline.

NM_016203.4(PRKAG2):c.514C>G (p.Gln172Glu)

Gene: PRKAG2 (protein kinase AMP-activated non-catalytic subunit gamma 2; minus strand). Cytogenetic location: 7q36.1.
Variant type: single nucleotide variant.
Coding change: c.514C>G on transcript NM_016203.4 (MANE Select); coding-DNA position 514, C replaced by G.
Protein change: p.Gln172Glu; replaces glutamine 172 with glutamic acid.
Molecular consequence: missense variant.
Genome position (GRCh38, 1-based): chr7:151,675,590, G>C on the plus strand (C>G on the coding strand, the complement: PRKAG2 is on the minus strand). VCF-style: chr7-151675590-G-C. GRCh37 (hg19) VCF-style: chr7-151372676-G-C.
Other names: p.Q172E:CAG>GAG; c.382C>G, p.Gln128Glu (NM_001040633.2); c.142C>G, p.Gln48Glu (NM_001304527.2, NM_001363698.2); short protein forms Q172E, Q128E, Q48E.
Identifiers: ClinVar variation 181467 (VCV000181467.19), dbSNP rs730880972, ClinGen allele CA014270.